The following is an entry in ClinVar:

ClinVar aggregate classification (germline): Uncertain significance. Review status: criteria provided, multiple submitters, no conflicts (2 of 4 stars). 2 submissions from 2 submitters: Uncertain significance (2). Last evaluated 2023-05-10.

Conditions:
HAND1-related disorder. Also called: HAND1-related condition.
Hypoplastic left heart syndrome. Also called: Hypoplastic left ventricle; Hypoplastic left heart. Identifiers: Orphanet 2248, MedGen C0152101, MONDO:0004933, HP:0004383.

Submissions (2):

Labcorp Genetics (formerly Invitae), Labcorp
Classification: Uncertain significance for Hypoplastic left heart syndrome. Last evaluated: 2023-05-10. Review status: criteria provided, single submitter. Criteria: Invitae Variant Classification Sherloc (09022015). Collection method: clinical testing. Allele origin: germline.
Comment: In summary, the available evidence is currently insufficient to determine the role of this variant in disease. Therefore, it has been classified as a Variant of Uncertain Significance. An algorithm developed to predict the effect of missense changes on protein structure and function (PolyPhen-2) suggests that this variant is likely to be disruptive. This variant has not been reported in the literature in individuals affected with HAND1-related conditions. This variant is not present in population databases (gnomAD no frequency). This sequence change replaces valine, which is neutral and non-polar, with methionine, which is neutral and non-polar, at codon 124 of the HAND1 protein (p.Val124Met).

PreventionGenetics, part of Exact Sciences
Classification: Uncertain significance for HAND1-related condition. Last evaluated: 2022-10-23. Review status: criteria provided, single submitter. Criteria: ACMG Guidelines, 2015. Collection method: clinical testing. Allele origin: germline.
Comment: The HAND1 c.370G>A variant is predicted to result in the amino acid substitution p.Val124Met. To our knowledge, this variant has not been reported in the literature or in a large population database, indicating this variant is rare. At this time, the clinical significance of this variant is uncertain due to the absence of conclusive functional and genetic evidence.

NM_004821.3(HAND1):c.370G>A (p.Val124Met)

Gene: HAND1 (heart and neural crest derivatives expressed 1; minus strand). Cytogenetic location: 5q33.2.
Variant type: single nucleotide variant.
Coding change: c.370G>A on transcript NM_004821.3 (MANE Select); coding-DNA position 370, G replaced by A.
Protein change: p.Val124Met; replaces valine 124 with methionine.
Molecular consequence: missense variant.
Genome position (GRCh38, 1-based): chr5:154,477,639, C>T on the plus strand (G>A on the coding strand, the complement: HAND1 is on the minus strand). VCF-style: chr5-154477639-C-T. GRCh37 (hg19) VCF-style: chr5-153857199-C-T.
Other names: short protein forms V124M.
Identifiers: ClinVar variation 2632020 (VCV002632020.4), dbSNP rs745686103, ClinGen allele CA130059848.
Genomic context (GRCh38, chr5:154,477,639, plus strand): 5'-CGATGTAGCTGGTGGCTAGGCGCAGAGTCTTGATCTTGGAGAGCTTGGTGTCGGCCGGCA[C>T]GTTGGGGATGCACTCGCGCAACTCCGCGAATGCGCTGTTAATGCTCTCAGTGCGTCTCCG-3'
Protein context (NP_004812.1, residues 114-134): FAELRECIPN[Val124Met]PADTKLSKIK